The following is an entry in ClinVar:

NM_000466.3(PEX1):c.1039A>G (p.Lys347Glu)

Gene: PEX1 (peroxisomal biogenesis factor 1; minus strand). Cytogenetic location: 7q21.2.
Variant type: single nucleotide variant.
Coding change: c.1039A>G on transcript NM_000466.3 (MANE Select); coding-DNA position 1039, A replaced by G.
Protein change: p.Lys347Glu; replaces lysine 347 with glutamic acid.
Molecular consequence: missense variant.
Genome position (GRCh38, 1-based): chr7:92,517,476, T>C on the plus strand (A>G on the coding strand, the complement: PEX1 is on the minus strand). VCF-style: chr7-92517476-T-C. GRCh37 (hg19) VCF-style: chr7-92146790-T-C.
Other names: c.1039A>G, p.Lys347Glu (NM_001282677.2); c.415A>G, p.Lys139Glu (NM_001282678.2); short protein forms K139E, K347E.
Identifiers: ClinVar variation 3359144 (VCV003359144.2).
Genomic context (GRCh38, chr7:92,517,476, plus strand): 5'-GATCTAGTGGCTCTGACATCTGCTTCTCTTTTTCAGGTGATAACACATTTTGTTTTGTTT[T>C]ACTTTGCTGTTGCTTTGGAGAAAGTAGCTTAACTAGCTTTCCATATGTCACAGTAAAGCT-3'
Protein context (NP_000457.1, residues 337-357): KLLSPKQQQS[Lys347Glu]TKQNVLSPEK

ClinVar aggregate classification (germline): Uncertain significance (1 of 4 stars; one submission).

Conditions:
Peroxisome biogenesis disorder 1A (Zellweger) (PBD1A). Also called: Zellweger leukodystrophy; Peroxisome biogenesis disorder 1a. Identifiers: MedGen C4721541, MONDO:0008953, OMIM 214100.

Submission:

Institute of Human Genetics, University of Leipzig Medical Center
Classification: Uncertain significance for Peroxisome biogenesis disorder 1A (Zellweger). Last evaluated: 2024-04-17. Review status: criteria provided, single submitter. Criteria: ACMG Guidelines, 2015. Collection method: clinical testing. Allele origin: unknown. Inheritance: Autosomal recessive inheritance. Affected: yes.
Comment: Criteria applied: PM2_SUP,PM3_SUP,BP1,BP4